The following is an entry in ClinVar:

NM_004656.4(BAP1):c.1254T>A (p.Tyr418Ter)

Gene: BAP1 (BRCA1 associated protein 1; minus strand). Cytogenetic location: 3p21.1.
Variant type: single nucleotide variant.
Coding change: c.1254T>A on transcript NM_004656.4 (MANE Select); coding-DNA position 1254, T replaced by A.
Protein change: p.Tyr418Ter; replaces tyrosine 418 with a stop codon.
Molecular consequence: nonsense.
Genome position (GRCh38, 1-based): chr3:52,403,891, A>T on the plus strand (T>A on the coding strand, the complement: BAP1 is on the minus strand). VCF-style: chr3-52403891-A-T. GRCh37 (hg19) VCF-style: chr3-52437907-A-T.
Other names: short protein forms Y418*.
Identifiers: ClinVar variation 422448 (VCV000422448.2), dbSNP rs1064795786, ClinGen allele CA16617998.
Genomic context (GRCh38, chr3:52,403,891, plus strand): 5'-TGACAGTTGCCCATCAGCAGAACCGCTCAATGCCCCTGGCTTCCCTGTTCCCTTCCCCTT[A>T]TACCTGTGGGGCCCGAGAAGATGTGAAGCAAGGGAACGGGCCAGGTGACCATACCCAGCA-3'

ClinVar aggregate classification (germline): Pathogenic (1 of 4 stars; one submission).

Submission:

GeneDx
Classification: Pathogenic. Last evaluated: 2016-10-13. Review status: criteria provided, single submitter. Criteria: GeneDx Variant Classification (06012015). Collection method: clinical testing. Allele origin: germline. Affected: yes.
Comment: This variant is denoted BAP1 c.1254T>A at the cDNA level and p.Tyr418Ter (Y418X) at the protein level. The substitution creates a nonsense variant, which changes a Tyrosine to a premature stop codon (TAT>TAA), and is predicted to cause loss of normal protein function through either protein truncation or nonsense-mediated mRNA decay. Although this variant has not, to our knowledge, been reported in the literature, it is considered pathogenic.